The following is an entry in ClinVar:

NM_001042750.2(STAG2):c.3080C>A (p.Thr1027Asn)

Gene: STAG2 (STAG2 cohesin complex component; plus strand). Cytogenetic location: Xq25.
Variant type: single nucleotide variant.
Coding change: c.3080C>A on transcript NM_001042750.2 (MANE Select); coding-DNA position 3080, C replaced by A.
Protein change: p.Thr1027Asn; replaces threonine 1027 with asparagine.
Molecular consequence: missense variant.
Genome position (GRCh38, 1-based): chrX:124,086,573, C>A. VCF-style: chrX-124086573-C-A. GRCh37 (hg19) VCF-style: chrX-123220423-C-A.
Other names: c.3080C>A, p.Thr1027Asn (NM_001042749.2, NM_001042751.2, NM_001282418.2 and 13 more transcripts); short protein forms T1027N.
Identifiers: ClinVar variation 1448096 (VCV001448096.8), dbSNP rs2148464947, ClinGen allele CA414280766.

ClinVar aggregate classification (germline): Uncertain significance (1 of 4 stars; one submission).

gnomAD v4.1: 1 of 1,210,064 alleles (0.000083%); highest among the groups gnomAD compares: Non-Finnish European, 0.00011%; no homozygotes.

Submission:

Labcorp Genetics (formerly Invitae), Labcorp
Classification: Uncertain significance. Last evaluated: 2024-02-17. Review status: criteria provided, single submitter. Criteria: Invitae Variant Classification Sherloc (09022015). Collection method: clinical testing. Allele origin: germline.
Comment: This sequence change replaces threonine, which is neutral and polar, with asparagine, which is neutral and polar, at codon 1027 of the STAG2 protein (p.Thr1027Asn). This variant is not present in population databases (gnomAD no frequency). This variant has not been reported in the literature in individuals affected with STAG2-related conditions. ClinVar contains an entry for this variant (Variation ID: 1448096). Advanced modeling of protein sequence and biophysical properties (such as structural, functional, and spatial information, amino acid conservation, physicochemical variation, residue mobility, and thermodynamic stability) performed at Invitae indicates that this missense variant is not expected to disrupt STAG2 protein function with a negative predictive value of 80%. In summary, the available evidence is currently insufficient to determine the role of this variant in disease. Therefore, it has been classified as a Variant of Uncertain Significance.